The following is an entry in ClinVar:

ClinVar aggregate classification (germline): Pathogenic (1 of 4 stars; one submission).

Conditions:
Hereditary cancer-predisposing syndrome. Also called: Neoplastic Syndromes, Hereditary; Tumor predisposition; Hereditary neoplastic syndrome; Hereditary Cancer Syndrome. Identifiers: Orphanet 140162, MedGen C0027672, MeSH D009386, MONDO:0015356.
Cardiovascular phenotype. Identifiers: MedGen CN230736.

Submission:

Ambry Genetics
Classification: Pathogenic for Cardiovascular phenotype; Hereditary cancer-predisposing syndrome. Last evaluated: 2023-06-30. Review status: criteria provided, single submitter. Criteria: Ambry Variant Classification Scheme 2023. Collection method: clinical testing. Allele origin: germline.
Comment: The c.4791delC pathogenic mutation, located in coding exon 36 of the NF1 gene, results from a deletion of one nucleotide at nucleotide position 4791, causing a translational frameshift with a predicted alternate stop codon (p.N1598Mfs*5). This variant is considered to be rare based on population cohorts in the Genome Aggregation Database (gnomAD). This alteration is expected to result in loss of function by premature protein truncation or nonsense-mediated mRNA decay. As such, this alteration is interpreted as a disease-causing mutation.

NM_001042492.3(NF1):c.4854del (p.Asn1619fs)

Gene: NF1 (neurofibromin 1; plus strand). Cytogenetic location: 17q11.2.
Variant type: Deletion.
Coding change: c.4854del on transcript NM_001042492.3 (MANE Select); coding-DNA position 4854, one base deleted (C; older notation c.4854delC).
Protein change: p.Asn1619fs; shifts the reading frame from asparagine 1619.
Molecular consequence: frameshift variant.
Genome position (GRCh38, 1-based): chr17:31,325,838, C deleted. VCF-style (leftmost placement, unchanged base first): chr17-31325837-TC-T. GRCh37 (hg19) VCF-style: chr17-29652855-TC-T.
Other names: c.4791delC (NM_000267.3); c.4791delC, p.Asn1598Metfs (NM_000267.4); short protein forms N1598fs, N1619fs.
Identifiers: ClinVar variation 3237803 (VCV003237803.1), dbSNP rs2508694092.